The following is an entry in ClinVar:

ClinVar aggregate classification (germline): Uncertain significance. Review status: criteria provided, multiple submitters, no conflicts (2 of 4 stars). 2 submissions from 2 submitters: Uncertain significance (2). Last evaluated 2025-05-22.

Conditions:
Spondyloenchondrodysplasia with immune dysregulation (SPENCDI). Also called: ROIFMAN IMMUNOSKELETAL SYNDROME; SPONDYLOENCHONDRODYSPLASIA WITH OR WITHOUT IMMUNE DYSREGULATION; COMBINED IMMUNODEFICIENCY WITH AUTOIMMUNITY AND SPONDYLOMETAPHYSEAL DYSPLASIA. Identifiers: Orphanet 1855, MedGen C1842763, MONDO:0011939, OMIM 607944.
Inborn genetic diseases. Identifiers: MedGen C0950123, MeSH D030342.

Allele frequency attached by ClinVar (database versions not stated): gnomAD 0.00007 and 0.00006; ExAC 0.00003; TOPMed 0.00005; gnomAD exomes 0.00006.
gnomAD v4.1: 92 of 1,611,122 alleles (0.0057%); highest among the groups gnomAD compares: South Asian, 0.021%; no homozygotes.

Submissions (2):

Ambry Genetics
Classification: Uncertain significance for Inborn genetic diseases. Last evaluated: 2025-05-22. Review status: criteria provided, single submitter. Criteria: Ambry Variant Classification Scheme 2023. Collection method: clinical testing. Allele origin: germline.

Labcorp Genetics (formerly Invitae), Labcorp
Classification: Uncertain significance for Spondyloenchondrodysplasia with immune dysregulation. Last evaluated: 2022-10-13. Review status: criteria provided, single submitter. Criteria: Invitae Variant Classification Sherloc (09022015). Collection method: clinical testing. Allele origin: germline.
Comment: This sequence change replaces arginine, which is basic and polar, with tryptophan, which is neutral and slightly polar, at codon 225 of the ACP5 protein (p.Arg225Trp). This variant is present in population databases (rs765756315, gnomAD 0.02%). This variant has not been reported in the literature in individuals affected with ACP5-related conditions. ClinVar contains an entry for this variant (Variation ID: 959705). Advanced modeling of protein sequence and biophysical properties (such as structural, functional, and spatial information, amino acid conservation, physicochemical variation, residue mobility, and thermodynamic stability) performed at Invitae indicates that this missense variant is not expected to disrupt ACP5 protein function. In summary, the available evidence is currently insufficient to determine the role of this variant in disease. Therefore, it has been classified as a Variant of Uncertain Significance.

NM_001611.5(ACP5):c.673C>T (p.Arg225Trp)

Gene: ACP5 (acid phosphatase 5, tartrate resistant; minus strand). Cytogenetic location: 19p13.2.
Variant type: single nucleotide variant.
Coding change: c.673C>T on transcript NM_001611.5 (MANE Select); coding-DNA position 673, C replaced by T.
Protein change: p.Arg225Trp; replaces arginine 225 with tryptophan.
Molecular consequence: missense variant.
Genome position (GRCh38, 1-based): chr19:11,576,305, G>A on the plus strand (C>T on the coding strand, the complement: ACP5 is on the minus strand). VCF-style: chr19-11576305-G-A. GRCh37 (hg19) VCF-style: chr19-11687120-G-A.
Other names: c.673C>T, p.Arg225Trp (NM_001111034.3, NM_001111035.3, NM_001111036.3 and 1 more transcripts); c.673C>T (NM_001111035.1); short protein forms R225W.
Identifiers: ClinVar variation 959705 (VCV000959705.9), dbSNP rs765756315, ClinGen allele CA9215359.
Genomic context (GRCh38, chr19:11,576,305, plus strand): 5'-GCAGATTGTGATCGTGGCCGCACAGGTAGGCAGTGACCCCGTATGTGGCCAGCAGTGGCC[G>A]TAGCTGCTTGACCAGGCAGTGGGTAGGCCCGTGCTCGGCTATGGACCACACGGGGTAGTG-3'
Protein context (NP_001602.1, residues 215-235): GPTHCLVKQL[Arg225Trp]PLLATYGVTA